The following is an entry in ClinVar:

ClinVar aggregate classification (germline): Likely pathogenic (1 of 4 stars; one submission).

Conditions:
Heterotaxy, visceral, 14, autosomal. Identifiers: MedGen C5975611, MONDO:0976135, OMIM 621080.

gnomAD v4.1: 2 of 1,612,048 alleles (0.00012%); highest among the groups gnomAD compares: Non-Finnish European, 0.00017%; no homozygotes.

Submission:

Variantyx, Inc.
Classification: Likely pathogenic for Heterotaxy, visceral, 14, autosomal. Last evaluated: 2025-08-11. Review status: criteria provided, single submitter. Criteria: Variantyx Assertion Criteria 2022. Collection method: clinical testing. Allele origin: germline. Inheritance: Autosomal recessive inheritance.
Comment: This is a nonsense variant in the C1orf127 gene (OMIM: 619700). Pathogenic variants in this gene have been associated with autosomal recessive visceral heterotaxy 14. This variant introduces a premature termination codon in exon 5 out of 13 and is expected to result in loss of function, which is a known disease mechanism for C1orf127 in this disorder (PMID:34768622, 39753129) (PVS1). This variant has a 0.0002% maximum allele frequency in non-founder control populations (PM2). Based on the current evidence, this variant is classified as likely pathogenic for autosomal recessive visceral heterotaxy 14.

Literature cited by the submitters: PubMed 34768622; PubMed 39753129.

NM_001170754.2(CIROZ):c.384C>A (p.Tyr128Ter)

Gene: CIROZ (ciliated left-right organizer protein containing ZP-N domains; minus strand). Cytogenetic location: 1p36.22.
Variant type: single nucleotide variant.
Coding change: c.384C>A on transcript NM_001170754.2 (MANE Select); coding-DNA position 384, C replaced by A.
Protein change: p.Tyr128Ter; replaces tyrosine 128 with a stop codon.
Molecular consequence: nonsense. On other transcripts: 5 prime UTR variant (1).
Genome position (GRCh38, 1-based): chr1:10,964,260, G>T on the plus strand (C>A on the coding strand, the complement: CIROZ is on the minus strand). VCF-style: chr1-10964260-G-T. GRCh37 (hg19) VCF-style: chr1-11024317-G-T.
Other names: c.-34C>A (NM_001366227.2); short protein forms Y128*.
Identifiers: ClinVar variation 4813836 (VCV004813836.1).